The following is an entry in ClinVar:

NM_004655.4(AXIN2):c.2405+4A>C

Gene: AXIN2 (axin 2; minus strand). Cytogenetic location: 17q24.1.
Variant type: single nucleotide variant.
Coding change: c.2405+4A>C on transcript NM_004655.4 (MANE Select); 4 bases into the intron after coding-DNA position 2405, A replaced by C.
Molecular consequence: intron variant.
Genome position (GRCh38, 1-based): chr17:65,533,908, T>G on the plus strand (A>C on the coding strand, the complement: AXIN2 is on the minus strand). VCF-style: chr17-65533908-T-G. GRCh37 (hg19) VCF-style: chr17-63530026-T-G.
Other names: c.2405+4A>C (LRG_296t1); c.2210+4A>C (NM_001363813.1).
Identifiers: ClinVar variation 408761 (VCV000408761.20), dbSNP rs377423720, ClinGen allele CA16615551.
Genomic context (GRCh38, chr17:65,533,908, plus strand): 5'-CAGGCTCTGGCTCTTGGTTCTGAGCAAACAAACTGAGAGCAGAAAAAAGCCACAGGACTC[T>G]TACCTATAATTTCCCTTTTTGCTGAGCTGCTCTTTAAAGTGGCCCAGGGTCAAGCTCTGA-3'

ClinVar aggregate classification (germline): Conflicting classifications of pathogenicity. Review status: criteria provided, conflicting classifications (1 of 4 stars). 6 submissions from 6 submitters: Uncertain significance (3); Likely benign (3). Last evaluated 2026-01-24.

Conditions:
Hereditary cancer-predisposing syndrome. Also called: Hereditary Cancer Syndrome; Hereditary neoplastic syndrome; Neoplastic Syndromes, Hereditary; Tumor predisposition. Identifiers: Orphanet 140162, MedGen C0027672, MeSH D009386, MONDO:0015356.
Oligodontia-cancer predisposition syndrome. Also called: TOOTH AGENESIS-COLORECTAL CANCER SYNDROME. Identifiers: Orphanet 300576, MedGen C1837750, MONDO:0012075, OMIM 608615. Disease mechanism: loss of function.

Allele frequency attached by ClinVar (database versions not stated): TOPMed 0.00006.
gnomAD v4.1: 60 of 1,581,852 alleles (0.0038%); highest among the groups gnomAD compares: Non-Finnish European, 0.0044%; no homozygotes.

Submissions (6):

Labcorp Genetics (formerly Invitae), Labcorp
Classification: Likely benign for Oligodontia-cancer predisposition syndrome. Last evaluated: 2026-01-24. Review status: criteria provided, single submitter. Criteria: Invitae Variant Classification Sherloc (09022015). Collection method: clinical testing. Allele origin: germline.

Quest Diagnostics Nichols Institute San Juan Capistrano
Classification: Uncertain significance. Last evaluated: 2024-03-13. Review status: criteria provided, single submitter. Criteria: Quest Diagnostics criteria. Collection method: clinical testing. Allele origin: unknown.
Comment: The AXIN2 c.2405+4A>C variant has not been reported in individuals with AXIN2-related conditions in the published literature. The frequency of this variant in the general population, 0.000035 (4/113508 chromosomes (Genome Aggregation Database)), is uninformative in the assessment of its pathogenicity. Analysis of this variant using software algorithms for the prediction of the effect of nucleotide changes on AXIN2 mRNA splicing yielded inconclusive findings. Based on the available information, we are unable to determine the clinical significance of this variant.

Ambry Genetics
Classification: Likely benign for Hereditary cancer-predisposing syndrome. Last evaluated: 2022-04-26. Review status: criteria provided, single submitter. Criteria: Ambry Variant Classification Scheme 2023. Collection method: clinical testing. Allele origin: germline.

Sema4
Classification: Uncertain significance for Hereditary cancer-predisposing syndrome. Last evaluated: 2021-09-13. Review status: criteria provided, single submitter. Criteria: Sema4 Curation Guidelines. Collection method: curation. Allele origin: germline.
Comment: The AXIN2 c.2405+4A>C variant has not been reported in the literature to our knowledge. It was observed in 4/113508 chromosomes from the Euopean (non Finnish) subpopulation of the large and broad population Genome Aggregation Database (PMID: 32461654). This variant has been reported in ClinVar (Variation ID: 408761). In silico tools suggest that the variant does not impact RNA splicing, though these predictions have not been confirmed by functional studies. The evidence is insufficient to meet ACMG/AMP criteria for classifying the variant as benign or pathogenic. Thus, the clinical significance of this variant is currently uncertain.

GeneDx
Classification: Likely benign. Last evaluated: 2020-06-03. Review status: criteria provided, single submitter. Criteria: GeneDx Variant Classification Process June 2021. Collection method: clinical testing. Allele origin: germline. Affected: yes.

Illumina Laboratory Services, Illumina
Classification: Uncertain significance for Oligodontia-cancer predisposition syndrome. Last evaluated: 2018-01-12. Review status: criteria provided, single submitter. Criteria: ICSL Variant Classification Criteria 13 December 2019. Collection method: clinical testing. Allele origin: germline.